The following is an entry in ClinVar:

NM_001044385.3(TMEM237):c.482A>G (p.Glu161Gly)

Gene: TMEM237 (transmembrane protein 237; minus strand). Cytogenetic location: 2q33.1.
Variant type: single nucleotide variant.
Coding change: c.482A>G on transcript NM_001044385.3 (MANE Select); coding-DNA position 482, A replaced by G.
Protein change: p.Glu161Gly; replaces glutamic acid 161 with glycine.
Molecular consequence: missense variant.
Genome position (GRCh38, 1-based): chr2:201,632,122, T>C on the plus strand (A>G on the coding strand, the complement: TMEM237 is on the minus strand). VCF-style: chr2-201632122-T-C. GRCh37 (hg19) VCF-style: chr2-202496845-T-C.
Other names: c.458A>G, p.Glu153Gly (NM_152388.4); short protein forms E153G, E161G.
Identifiers: ClinVar variation 1015792 (VCV001015792.9), dbSNP rs771350638, ClinGen allele CA2056470.

ClinVar aggregate classification (germline): Uncertain significance. Review status: criteria provided, multiple submitters, no conflicts (2 of 4 stars). 2 submissions from 2 submitters: Uncertain significance (2). Last evaluated 2024-05-06.

Conditions:
Joubert syndrome 14 (JBTS14). Identifiers: MedGen C3280766, MONDO:0013745, OMIM 614424.

Allele frequency attached by ClinVar (database versions not stated): gnomAD exomes 0.00001 and 0.00003; ExAC 0.00002; TOPMed 0.00002.

Submissions (2):

Fulgent Genetics
Classification: Uncertain significance for Joubert syndrome 14. Last evaluated: 2024-05-06. Review status: criteria provided, single submitter. Criteria: ACMG Guidelines, 2015. Collection method: clinical testing. Allele origin: germline.

Labcorp Genetics (formerly Invitae), Labcorp
Classification: Uncertain significance for Joubert syndrome 14. Last evaluated: 2023-02-20. Review status: criteria provided, single submitter. Criteria: Invitae Variant Classification Sherloc (09022015). Collection method: clinical testing. Allele origin: germline.
Comment: This sequence change replaces glutamic acid, which is acidic and polar, with glycine, which is neutral and non-polar, at codon 161 of the TMEM237 protein (p.Glu161Gly). This variant is present in population databases (rs771350638, gnomAD 0.02%). This variant has not been reported in the literature in individuals affected with TMEM237-related conditions. ClinVar contains an entry for this variant (Variation ID: 1015792). Advanced modeling of protein sequence and biophysical properties (such as structural, functional, and spatial information, amino acid conservation, physicochemical variation, residue mobility, and thermodynamic stability) performed at Invitae indicates that this missense variant is not expected to disrupt TMEM237 protein function. In summary, the available evidence is currently insufficient to determine the role of this variant in disease. Therefore, it has been classified as a Variant of Uncertain Significance.